The following is an entry in ClinVar:

NM_015175.3(NBEAL2):c.4085G>A (p.Arg1362Gln)

Gene: NBEAL2 (neurobeachin like 2; plus strand). Cytogenetic location: 3p21.31.
Variant type: single nucleotide variant.
Coding change: c.4085G>A on transcript NM_015175.3 (MANE Select); coding-DNA position 4085, G replaced by A.
Protein change: p.Arg1362Gln; replaces arginine 1362 with glutamine.
Molecular consequence: missense variant.
Genome position (GRCh38, 1-based): chr3:47,000,184, G>A. VCF-style: chr3-47000184-G-A. GRCh37 (hg19) VCF-style: chr3-47041674-G-A.
Other names: c.3983G>A, p.Arg1328Gln (NM_001365116.2); short protein forms R1328Q, R1362Q.
Identifiers: ClinVar variation 1684436 (VCV001684436.1), dbSNP rs781185845, ClinGen allele CA2361140.
Genomic context (GRCh38, chr3:47,000,184, plus strand): 5'-CTGATGGCTTTTACCATGCTCTCTCCCCATTCTGCACGCCCTTTGACCTGGGCCTGGAAC[G>A]GTCTAGTGTAGGATCAGGCAACACTGCTGGTGGTGGCGGCAGCAGTGGGACTCTTACTCC-3'
Protein context (NP_055990.1, residues 1352-1372): FCTPFDLGLE[Arg1362Gln]SSVGSGNTAG

ClinVar aggregate classification (germline): Uncertain significance (0 of 4 stars; one submission).

Conditions:
Gray platelet syndrome (GPS). Also called: BLEEDING DISORDER, PLATELET-TYPE, 4. Identifiers: Orphanet 721, MedGen C0272302, MONDO:0007686, OMIM 139090.

Allele frequency attached by ClinVar (database versions not stated): gnomAD exomes below 0.00001; ExAC 0.00001; gnomAD 0.00001; TOPMed 0.00001.
gnomAD v4.1: 6 of 1,613,808 alleles (0.00037%); highest among the groups gnomAD compares: South Asian, 0.0011%; no homozygotes.

Submission:

ISTH-SSC Genomics in Thrombosis and Hemostasis, KU Leuven, Center for Molecular and Vascular Biology
Classification: Uncertain significance for Gray platelet syndrome. Review status: no assertion criteria provided. Collection method: research. Allele origin: unknown. Affected: yes.
Comment: Submitted to GoldVariant by Neil Morgan from Birmingham Platelet Group, Birmingham, UK